The following is an entry in ClinVar:

ClinVar aggregate classification (germline): Uncertain significance (1 of 4 stars; one submission).

Submission:

GeneDx
Classification: Uncertain significance. Last evaluated: 2026-03-04. Review status: criteria provided, single submitter. Criteria: GeneDx Variant Classification Process June 2021. Collection method: clinical testing. Allele origin: germline.
Comment: Not observed at significant frequency in large population cohorts (gnomAD); In silico analysis supports that this missense variant has a deleterious effect on protein structure/function; Has not been previously published as pathogenic or benign to our knowledge

NM_005585.5(SMAD6):c.992G>C (p.Trp331Ser)

Gene: SMAD6 (SMAD family member 6; plus strand). Cytogenetic location: 15q22.31.
Variant type: single nucleotide variant.
Coding change: c.992G>C on transcript NM_005585.5 (MANE Select); coding-DNA position 992, G replaced by C.
Protein change: p.Trp331Ser; replaces tryptophan 331 with serine.
Molecular consequence: missense variant. On other transcripts: non-coding transcript variant (1).
Genome position (GRCh38, 1-based): chr15:66,781,036, G>C. VCF-style: chr15-66781036-G-C. GRCh37 (hg19) VCF-style: chr15-67073374-G-C.
Other names: short protein forms W331S.
Identifiers: ClinVar variation 5008543 (VCV005008543.1).
Genomic context (GRCh38, chr15:66,781,036, plus strand): 5'-GTCCCTGTGCTTGTCCCGCAGACGCCAGCATGTCTCCGGACGCCACCAAGCCGAGCCACT[G>C]GTGCAGCGTGGCGTACTGGGAGCACCGGACGCGCGTGGGCCGCCTCTATGCGGTGTACGA-3'
Protein context (NP_005576.3, residues 321-341): MSPDATKPSH[Trp331Ser]CSVAYWEHRT